The following is an entry in ClinVar:

ClinVar aggregate classification (germline): Likely benign. Review status: criteria provided, multiple submitters, no conflicts (2 of 4 stars). 2 submissions from 2 submitters: Likely benign (2). Last evaluated 2026-08-01.

Allele frequency attached by ClinVar (database versions not stated): gnomAD 0.00001; ExAC 0.00002; ESP Exome Variant Server 0.00008.
gnomAD v4.1: 44 of 1,613,966 alleles (0.0027%); highest among the groups gnomAD compares: Non-Finnish European, 0.0032%; 1 homozygote.

Submissions (2):

CeGaT Center for Human Genetics Tuebingen
Classification: Likely benign. Last evaluated: 2026-08-01. Review status: criteria provided, single submitter. Criteria: CeGaT Center For Human Genetics Tuebingen Variant Classification Criteria Version 2. Collection method: clinical testing. Allele origin: germline. Affected: yes. Observed: 1 variant allele.
Comment: SPEG: BP4, BP7

Labcorp Genetics (formerly Invitae), Labcorp
Classification: Likely benign. Last evaluated: 2023-03-23. Review status: criteria provided, single submitter. Criteria: Invitae Variant Classification Sherloc (09022015). Collection method: clinical testing. Allele origin: germline.

NM_005876.5(SPEG):c.5142C>T (p.His1714=)

Gene: SPEG (striated muscle enriched protein kinase; plus strand). Cytogenetic location: 2q35.
Variant type: single nucleotide variant.
Coding change: c.5142C>T on transcript NM_005876.5 (MANE Select); coding-DNA position 5142, C replaced by T.
Protein change: p.His1714=; no amino-acid change (histidine 1714 retained).
Molecular consequence: synonymous variant.
Genome position (GRCh38, 1-based): chr2:219,479,839, C>T. VCF-style: chr2-219479839-C-T. GRCh37 (hg19) VCF-style: chr2-220344561-C-T.
Identifiers: ClinVar variation 1592996 (VCV001592996.10), dbSNP rs368444908, ClinGen allele CA2126746.
Genomic context (GRCh38, chr2:219,479,839, plus strand): 5'-ACAGATCCGGGCCTATATGCGGCAGGTGCTAGAGGGAATACACTACCTGCACCAGAGCCA[C>T]GTGCTGCACCTCGATGTCAAGGTGAGGTGGGGACTGGAGAGCAGACAGCCCCTGTGGGAG-3'
Protein context (NP_005867.3, residues 1704-1724): LEGIHYLHQS[His1714=]VLHLDVKPEN